The following is an entry in ClinVar:

ClinVar aggregate classification (germline): Pathogenic (1 of 4 stars; one submission).

Conditions:
Cerebral cavernous malformation (CCM). Also called: Cerebral cavernous hemangioma (type); CAVERNOUS ANGIOMA, FAMILIAL; CAVERNOUS ANGIOMATOUS MALFORMATIONS; CEREBRAL CAPILLARY MALFORMATIONS; Cerebral cavernous malformations; Cavernous Hemangioma of Brain. Identifiers: Orphanet 221061, MedGen C2919945, MONDO:0000820, OMIM 116860, HP:0033522.

Submission:

Labcorp Genetics (formerly Invitae), Labcorp
Classification: Pathogenic for Cerebral cavernous malformation. Last evaluated: 2023-01-08. Review status: criteria provided, single submitter. Criteria: Invitae Variant Classification Sherloc (09022015). Collection method: clinical testing. Allele origin: germline.
Comment: For these reasons, this variant has been classified as Pathogenic. ClinVar contains an entry for this variant (Variation ID: 1459904). This variant has not been reported in the literature in individuals affected with KRIT1-related conditions. This variant is not present in population databases (gnomAD no frequency). This sequence change creates a premature translational stop signal (p.Lys343*) in the KRIT1 gene. It is expected to result in an absent or disrupted protein product. Loss-of-function variants in KRIT1 are known to be pathogenic (PMID: 10508515, 11222804, 12404106, 24689081).

Literature cited by the submitters: PubMed 10508515; PubMed 11222804; PubMed 12404106; PubMed 24689081.

NM_194454.3(KRIT1):c.1027A>T (p.Lys343Ter)

Gene: KRIT1 (KRIT1 ankyrin repeat containing; minus strand). Cytogenetic location: 7q21.2.
Variant type: single nucleotide variant.
Coding change: c.1027A>T on transcript NM_194454.3 (MANE Select); coding-DNA position 1027, A replaced by T.
Protein change: p.Lys343Ter; replaces lysine 343 with a stop codon.
Molecular consequence: nonsense.
Genome position (GRCh38, 1-based): chr7:92,226,645, T>A on the plus strand (A>T on the coding strand, the complement: KRIT1 is on the minus strand). VCF-style: chr7-92226645-T-A. GRCh37 (hg19) VCF-style: chr7-91855959-T-A.
Other names: c.883A>T, p.Lys295Ter (NM_001013406.2, NM_001350669.1, NM_001350670.1); c.313A>T, p.Lys105Ter (NM_001350671.1); c.1027A>T, p.Lys343Ter (NM_001350672.1, NM_001350673.1, NM_001350674.1 and 26 more transcripts); short protein forms K105*, K295*, K343*.
Identifiers: ClinVar variation 1459904 (VCV001459904.6), dbSNP rs2131527403, ClinGen allele CA368153460.